The following is an entry in ClinVar:

ClinVar aggregate classification (germline): Conflicting classifications of pathogenicity. Review status: criteria provided, conflicting classifications (1 of 4 stars). 2 submissions from 2 submitters: Uncertain significance (1); Likely benign (1). Last evaluated 2024-01-04.

Conditions:
X-linked distal spinal muscular atrophy type 3. Also called: SPINAL MUSCULAR ATROPHY, DISTAL, X-LINKED RECESSIVE; NEURONOPATHY, DISTAL HEREDITARY MOTOR, X-LINKED; NEUROPATHY, DISTAL HEREDITARY MOTOR, X-LINKED; ATP7A-Related Distal Motor Neuropathy. Identifiers: Orphanet 139557, MedGen C1845359, MONDO:0010338, OMIM 300489.
Menkes kinky-hair syndrome (MNK). Also called: Classic Menkes Disease; Menkes Disease; Copper transport disease. Identifiers: Orphanet 565, MedGen C0022716, MONDO:0010651, OMIM 309400.
Cutis laxa, X-linked (OHS). Also called: EDS IX; Occipital horn syndrome. Identifiers: Orphanet 198, MedGen C0268353, MONDO:0010572, OMIM 304150.

Allele frequency attached by ClinVar (database versions not stated): gnomAD exomes 0.00001; TOPMed 0.00003; ExAC 0.00001; gnomAD 0.00001.
gnomAD v4.1: 1 of 1,210,133 alleles (0.000083%); highest among the groups gnomAD compares: African/African-American, 0.0017%; no homozygotes.

Submissions (2):

GeneDx
Classification: Uncertain significance. Last evaluated: 2024-01-04. Review status: criteria provided, single submitter. Criteria: GeneDx Variant Classification Process June 2021. Collection method: clinical testing. Allele origin: germline. Affected: yes.
Comment: Has not been previously published as pathogenic or benign to our knowledge; In silico analysis supports that this missense variant has a deleterious effect on protein structure/function

Labcorp Genetics (formerly Invitae), Labcorp
Classification: Likely benign for X-linked distal spinal muscular atrophy type 3; Cutis laxa, X-linked; Menkes kinky-hair syndrome. Last evaluated: 2023-09-21. Review status: criteria provided, single submitter. Criteria: Invitae Variant Classification Sherloc (09022015). Collection method: clinical testing. Allele origin: germline.

NM_000052.7(ATP7A):c.3895G>T (p.Val1299Leu)

Gene: ATP7A (ATPase copper transporting alpha; plus strand). Cytogenetic location: Xq21.1.
Variant type: single nucleotide variant.
Coding change: c.3895G>T on transcript NM_000052.7 (MANE Select); coding-DNA position 3895, G replaced by T.
Protein change: p.Val1299Leu; replaces valine 1299 with leucine.
Molecular consequence: missense variant. On other transcripts: non-coding transcript variant (1).
Genome position (GRCh38, 1-based): chrX:78,042,678, G>T. VCF-style: chrX-78042678-G-T. GRCh37 (hg19) VCF-style: chrX-77298176-G-T.
Other names: c.3661G>T, p.Val1221Leu (NM_001282224.2); short protein forms V1221L, V1299L.
Identifiers: ClinVar variation 1019978 (VCV001019978.11), dbSNP rs782628250, ClinGen allele CA10459479.